The following is an entry in ClinVar:

NM_000138.5(FBN1):c.6071G>T (p.Cys2024Phe)

Gene: FBN1 (fibrillin 1; minus strand). Cytogenetic location: 15q21.1.
Variant type: single nucleotide variant.
Coding change: c.6071G>T on transcript NM_000138.5 (MANE Select); coding-DNA position 6071, G replaced by T.
Protein change: p.Cys2024Phe; replaces cysteine 2024 with phenylalanine.
Molecular consequence: missense variant.
Genome position (GRCh38, 1-based): chr15:48,441,813, C>A on the plus strand (G>T on the coding strand, the complement: FBN1 is on the minus strand). VCF-style: chr15-48441813-C-A. GRCh37 (hg19) VCF-style: chr15-48734010-C-A.
Other names: short protein forms C2024F.
Identifiers: ClinVar variation 1490805 (VCV001490805.8), dbSNP rs1597529826, ClinGen allele CA392338466.
Genomic context (GRCh38, chr15:48,441,813, plus strand): 5'-AACCCTTCTGGACACAGACATTTGAAGCTGCCTTCAGTGTTACTGCATGTGCCCAGGGCA[C>A]AAATTTCTGGCTCTTCGACACACTCATCAATATCTAAAAGAATCACATGAGTCAAACAAA-3'
Protein context (NP_000129.3, residues 2014-2034): IDECVEEPEI[Cys2024Phe]ALGTCSNTEG

ClinVar aggregate classification (germline): Pathogenic (1 of 4 stars; one submission).

Conditions:
Marfan syndrome (MFS). Also called: MARFAN SYNDROME, TYPE I; Marfan syndrome type 1; Marfan's syndrome; Marfan syndrome, classic; FBN1-Related Marfan Syndrome. Identifiers: Orphanet 284963, Orphanet 558, MedGen C0024796, MONDO:0007947, OMIM 154700.
Familial thoracic aortic aneurysm and aortic dissection (TAAD). Also called: Thoracic aortic aneurysms and dissections. Identifiers: Orphanet 91387, MedGen C4707243, MONDO:0019625.

Submission:

Labcorp Genetics (formerly Invitae), Labcorp
Classification: Pathogenic for Marfan syndrome; Familial thoracic aortic aneurysm and aortic dissection. Last evaluated: 2023-10-13. Review status: criteria provided, single submitter. Criteria: Invitae Variant Classification Sherloc (09022015). Collection method: clinical testing. Allele origin: germline.
Comment: This sequence change replaces cysteine, which is neutral and slightly polar, with phenylalanine, which is neutral and non-polar, at codon 2024 of the FBN1 protein (p.Cys2024Phe). This variant is not present in population databases (gnomAD no frequency). This missense change has been observed in individual(s) with Marfan syndrome (Invitae). In at least one individual the variant was observed to be de novo. ClinVar contains an entry for this variant (Variation ID: 1490805). Advanced modeling of protein sequence and biophysical properties (such as structural, functional, and spatial information, amino acid conservation, physicochemical variation, residue mobility, and thermodynamic stability) performed at Invitae indicates that this missense variant is expected to disrupt FBN1 protein function. This variant affects a cysteine residue in the EGF-like, TGFBP or hybrid motif domains of FBN1. Cysteine residues are believed to be involved in intramolecular disulfide bridges and have been shown to be important for FBN1 protein structure (PMID: 16905551, 19349279). In addition, missense substitutions affecting cysteine residues within these domains are significantly overrepresented among patients with Marfan syndrome (PMID: 16571647, 17701892). This variant disrupts the p.Cys2024 amino acid residue in FBN1. Other variant(s) that disrupt this residue have been observed in individuals with FBN1-related conditions (PMID: 27906200), which suggests that this may be a clinically significant amino acid residue. For these reasons, this variant has been classified as Pathogenic.

Literature cited by the submitters: PubMed 16905551; PubMed 19349279; PubMed 16571647; PubMed 17701892; PubMed 27906200.